The following is an entry in ClinVar:

ClinVar aggregate classification (germline): Conflicting classifications of pathogenicity. Review status: criteria provided, conflicting classifications (1 of 4 stars). 4 submissions from 4 submitters: Uncertain significance (2); Likely benign (1). 1 of the submissions does not count toward it. Last evaluated 2023-10-01.

Conditions:
Retinal dystrophy. Also called: Inherited retinal dystrophy. Identifiers: Orphanet 71862, MedGen C0854723, MeSH D058499, MONDO:0019118, HP:0000556.

Allele frequency attached by ClinVar (database versions not stated): gnomAD exomes 0.00008 and 0.00014; ExAC 0.00019; gnomAD 0.00029 and 0.00034; ESP Exome Variant Server 0.00031; TOPMed 0.00034; 1000 Genomes Project 30x 0.00172; 1000 Genomes Project 0.00180.
gnomAD v4.1: 172 of 1,614,134 alleles (0.011%); highest among the groups gnomAD compares: African/African-American, 0.11%; no homozygotes.

Submissions (4):

Dept Of Ophthalmology, Nagoya University
Classification: Likely benign for Retinal dystrophy. Last evaluated: 2023-10-01. Review status: criteria provided, single submitter. Criteria: Submitter's publication. Collection method: research. Allele origin: germline. Affected: yes.

Blueprint Genetics
Classification: Uncertain significance. Last evaluated: 2023-09-22. Review status: criteria provided, single submitter. Criteria: ACMG Guidelines, 2015. Collection method: clinical testing. Allele origin: germline.

Labcorp Genetics (formerly Invitae), Labcorp
Classification: Uncertain significance. Last evaluated: 2022-09-06. Review status: criteria provided, single submitter. Criteria: Invitae Variant Classification Sherloc (09022015). Collection method: clinical testing. Allele origin: germline.
Comment: This sequence change replaces arginine, which is basic and polar, with histidine, which is basic and polar, at codon 320 of the PCARE protein (p.Arg320His). This variant is present in population databases (rs201617661, gnomAD 0.09%). This variant has not been reported in the literature in individuals affected with PCARE-related conditions. ClinVar contains an entry for this variant (Variation ID: 950605). Algorithms developed to predict the effect of missense changes on protein structure and function output the following: SIFT: "Tolerated"; PolyPhen-2: "Benign"; Align-GVGD: "Class C0". The histidine amino acid residue is found in multiple mammalian species, which suggests that this missense change does not adversely affect protein function. In summary, the available evidence is currently insufficient to determine the role of this variant in disease. Therefore, it has been classified as a Variant of Uncertain Significance.

Institute of Human Genetics, Univ. Regensburg, Univ. Regensburg
Classification: Uncertain significance for Retinal dystrophy. Last evaluated: 2022-01-01. Review status: no assertion criteria provided. Criteria: ACMG Guidelines, 2015. Collection method: clinical testing. Allele origin: germline. Affected: yes. Not counted in ClinVar's aggregate classification.

NM_001029883.3(PCARE):c.959G>A (p.Arg320His)

Gene: PCARE (photoreceptor cilium actin regulator; minus strand). Cytogenetic location: 2p23.2.
Variant type: single nucleotide variant.
Coding change: c.959G>A on transcript NM_001029883.3 (MANE Select); coding-DNA position 959, G replaced by A.
Protein change: p.Arg320His; replaces arginine 320 with histidine.
Molecular consequence: missense variant.
Genome position (GRCh38, 1-based): chr2:29,073,303, C>T on the plus strand (G>A on the coding strand, the complement: PCARE is on the minus strand). VCF-style: chr2-29073303-C-T. GRCh37 (hg19) VCF-style: chr2-29296169-C-T.
Other names: short protein forms R320H.
Identifiers: ClinVar variation 950605 (VCV000950605.7), dbSNP rs201617661, ClinGen allele CA1592532.
Genomic context (GRCh38, chr2:29,073,303, plus strand): 5'-ACCCCAGGGTCGCCACAGCCACTCGCCAGGCTCTCTAGCTGCCTCAGAGCCCTCAGGAGG[C>T]GTTCATCCACATTCCTTTTTGTGCTCAGCTTATTTTCCAAGTGGGTTGCAGTGGAGTGGA-3'
Protein context (NP_001025054.1, residues 310-330): KLSTKRNVDE[Arg320His]LLRALRQLES